The following is an entry in ClinVar:

NM_002615.7(SERPINF1):c.259A>T (p.Thr87Ser)

Genes: SERPINF1 (serpin family F member 1; plus strand), LOC130059892 (ATAC-STARR-seq lymphoblastoid active region 11457; plus strand). Cytogenetic location: 17p13.3.
Variant type: single nucleotide variant.
Coding change: c.259A>T on transcript NM_002615.7 (MANE Select); coding-DNA position 259, A replaced by T.
Protein change: p.Thr87Ser; replaces threonine 87 with serine.
Molecular consequence: missense variant. On other transcripts: 5 prime UTR variant (1).
Genome position (GRCh38, 1-based): chr17:1,770,026, A>T. VCF-style: chr17-1770026-A-T. GRCh37 (hg19) VCF-style: chr17-1673320-A-T.
Other names: c.259A>T, p.Thr87Ser (NM_001329903.2); c.-303A>T (NM_001329904.2); short protein forms T87S.
Identifiers: ClinVar variation 4987601 (VCV004987601.1).
Genomic context (GRCh38, chr17:1,770,026, plus strand): 5'-CGGGTGCGATCCAGCACGAGCCCCACGACCAACGTGCTCCTGTCTCCTCTCAGTGTGGCC[A>T]CGGCCCTCTCGGCCCTCTCGCTGGGTGAGTGCTCAGATGCAGGAAGCCCCAGGCAGACCT-3'
Protein context (NP_002606.3, residues 77-97): NVLLSPLSVA[Thr87Ser]ALSALSLGAE

ClinVar aggregate classification (germline): Uncertain significance (1 of 4 stars; one submission).

Conditions:
SERPINF1-related disorder. Also called: SERPINF1-related condition.

gnomAD v4.1: 14 of 1,614,090 alleles (0.00087%); highest among the groups gnomAD compares: East Asian, 0.0022%; no homozygotes.

Submission:

PreventionGenetics, part of Exact Sciences
Classification: Uncertain significance for SERPINF1-related condition. Last evaluated: 2025-06-23. Review status: criteria provided, single submitter. Criteria: ACMG Guidelines, 2015. Collection method: clinical testing. Allele origin: germline.
Comment: The SERPINF1 c.259A>T variant is predicted to result in the amino acid substitution p.Thr87Ser. To our knowledge, this variant has not been reported in the literature. This variant is reported in 0.0054% of alleles in individuals of East Asian descent in gnomAD. At this time, the clinical significance of this variant is uncertain due to the absence of conclusive functional and genetic evidence.